The following is an entry in ClinVar:

NM_006306.4(SMC1A):c.2509A>T (p.Met837Leu)

Gene: SMC1A (structural maintenance of chromosomes 1A; minus strand). Cytogenetic location: Xp11.22.
Variant type: single nucleotide variant.
Coding change: c.2509A>T on transcript NM_006306.4 (MANE Select); coding-DNA position 2509, A replaced by T.
Protein change: p.Met837Leu; replaces methionine 837 with leucine.
Molecular consequence: missense variant.
Genome position (GRCh38, 1-based): chrX:53,399,642, T>A on the plus strand (A>T on the coding strand, the complement: SMC1A is on the minus strand). VCF-style: chrX-53399642-T-A. GRCh37 (hg19) VCF-style: chrX-53426564-T-A.
Other names: c.2443A>T, p.Met815Leu (NM_001281463.1); short protein forms M815L, M837L.
Identifiers: ClinVar variation 2988729 (VCV002988729.3), dbSNP rs1556888569, ClinGen allele CA413250367.

ClinVar aggregate classification (germline): Uncertain significance (1 of 4 stars; one submission).

Conditions:
Congenital muscular hypertrophy-cerebral syndrome (CDLS2). Also called: SMC1A-Related Cornelia de Lange Syndrome; Cornelia de Lange syndrome 2. Identifiers: Orphanet 199, MedGen C1802395, MONDO:0010370, OMIM 300590.

gnomAD v4.1: 6 of 1,207,831 alleles (0.0005%); highest among the groups gnomAD compares: Non-Finnish European, 0.00067%; no homozygotes.

Submission:

Labcorp Genetics (formerly Invitae), Labcorp
Classification: Uncertain significance for Congenital muscular hypertrophy-cerebral syndrome. Last evaluated: 2024-09-05. Review status: criteria provided, single submitter. Criteria: Invitae Variant Classification Sherloc (09022015). Collection method: clinical testing. Allele origin: germline.
Comment: This sequence change replaces methionine, which is neutral and non-polar, with leucine, which is neutral and non-polar, at codon 837 of the SMC1A protein (p.Met837Leu). This variant is present in population databases (no rsID available, gnomAD 0.001%). This variant has not been reported in the literature in individuals affected with SMC1A-related conditions. Invitae Evidence Modeling of protein sequence and biophysical properties (such as structural, functional, and spatial information, amino acid conservation, physicochemical variation, residue mobility, and thermodynamic stability) indicates that this missense variant is not expected to disrupt SMC1A protein function with a negative predictive value of 80%. In summary, the available evidence is currently insufficient to determine the role of this variant in disease. Therefore, it has been classified as a Variant of Uncertain Significance.